The following is an entry in ClinVar:

ClinVar aggregate classification (germline): Uncertain significance. Review status: reviewed by expert panel (3 of 4 stars). 2 submissions from 2 submitters: Uncertain significance (1). 1 of the submissions does not count toward it. Last evaluated 2024-04-22.

Conditions:
Mitochondrial disease. Also called: Mitochondrial disorder; Mitochondrial disorders. Identifiers: Orphanet 68380, MedGen C0751651, MeSH D028361, MONDO:0044970.
Inborn mitochondrial myopathy. Also called: Mitochondrial myopathy; Mitochondrial Myopathies. Identifiers: Orphanet 206966, MedGen C0162670, MONDO:0009637, HP:0003737.

Submissions (2):

ClinGen Mitochondrial Disease Nuclear and Mitochondrial  Variant Curation Expert Panel, ClinGen
Classification: Uncertain significance for Mitochondrial disease. Last evaluated: 2024-04-22. Review status: reviewed by expert panel. Criteria: clingen mito disease acmg specifications v1-1. Collection method: curation. Allele origin: germline. Inheritance: Mitochondrial inheritance.
Comment: The variant was present at 70% heteroplasmy in muscle on first biopsy and was found to be present at 90% on subsequent biopsy, coinciding with a 12-year progression in symptoms. There is no report of her family members being testing and there are no additional reports of large families with this variant segregating with disease. This variant is absent in the GenBank dataset, Helix dataset, and gnomAD v3.1.2 (PM2_supporting). Computational predictors are conflicting (MitoTIP: 37.3%; HmtVAR: 0.7). Single fiber testing showed higher levels of the variant in COX-negative fibers (88-96%) compared to COX positive fibers (60-88%; PMID: 9450773; PS3_supporting). In summary, this variant meets criteria to be classified as uncertain significance for primary mitochondrial disease inherited in a mitochondrial manner. This classification was approved by the NICHD/NINDS U24 ClinGen Mitochondrial Disease Variant Curation Expert Panel on April 22, 2024. Mitochondrial DNA-specific ACMG/AMP criteria applied (PMID: 32906214): PM2_supporting, PS3_supporting.

OMIM
Classification: Pathogenic for MYOPATHY, MITOCHONDRIAL. Last evaluated: 1997-02-01. Review status: no assertion criteria provided. Collection method: literature only. Allele origin: germline. Not counted in ClinVar's aggregate classification.

Literature cited by the submitters: PubMed 9012410 (cited by ClinGen Mitochondrial Disease Nuclear and Mitochondrial  Variant Curation Expert Panel, ClinGen and OMIM).

NC_012920.1(MT-TL2):m.12320A>G

Gene: MT-TL2 (mitochondrially encoded tRNA leucine 2 (CUN); plus strand).
Variant type: single nucleotide variant.
Genome position: chrM-12320-A-G.
Other names: 12320A-G.
Identifiers: ClinVar variation 9587 (VCV000009587.2), dbSNP rs121434463, ClinGen allele CA254838.